The following is an entry in ClinVar:

NM_001256789.3(CACNA1F):c.2666G>A (p.Arg889His)

Gene: CACNA1F (calcium voltage-gated channel subunit alpha1 F; minus strand). Cytogenetic location: Xp11.23.
Variant type: single nucleotide variant.
Coding change: c.2666G>A on transcript NM_001256789.3 (MANE Select); coding-DNA position 2666, G replaced by A.
Protein change: p.Arg889His; replaces arginine 889 with histidine.
Molecular consequence: missense variant.
Genome position (GRCh38, 1-based): chrX:49,219,328, C>T on the plus strand (G>A on the coding strand, the complement: CACNA1F is on the minus strand). VCF-style: chrX-49219328-C-T. GRCh37 (hg19) VCF-style: chrX-49075787-C-T.
Other names: c.2504G>A, p.Arg835His (NM_001256790.3); c.2699G>A, p.Arg900His (NM_005183.4); short protein forms R900H, R835H, R889H.
Identifiers: ClinVar variation 390619 (VCV000390619.8), dbSNP rs139263092, ClinGen allele CA10410630.

ClinVar aggregate classification (germline): Uncertain significance. Review status: criteria provided, multiple submitters, no conflicts (2 of 4 stars). 3 submissions from 3 submitters: Uncertain significance (3). Last evaluated 2024-12-21.

Conditions:
Inborn genetic diseases. Identifiers: MedGen C0950123, MeSH D030342.

Allele frequency attached by ClinVar (database versions not stated): ESP Exome Variant Server 0.00009; ExAC 0.00003; gnomAD exomes 0.00003; TOPMed 0.00003; gnomAD 0.00006.
gnomAD v4.1: 26 of 1,206,313 alleles (0.0022%); highest among the groups gnomAD compares: African/African-American, 0.007%; no homozygotes.

Submissions (3):

Ambry Genetics
Classification: Uncertain significance for Inborn genetic diseases. Last evaluated: 2024-12-21. Review status: criteria provided, single submitter. Criteria: Ambry Variant Classification Scheme 2023. Collection method: clinical testing. Allele origin: germline.

Labcorp Genetics (formerly Invitae), Labcorp
Classification: Uncertain significance. Last evaluated: 2024-10-15. Review status: criteria provided, single submitter. Criteria: Invitae Variant Classification Sherloc (09022015). Collection method: clinical testing. Allele origin: germline.
Comment: This sequence change replaces arginine, which is basic and polar, with histidine, which is basic and polar, at codon 900 of the CACNA1F protein (p.Arg900His). The frequency data for this variant in the population databases is considered unreliable, as metrics indicate poor data quality at this position in the gnomAD database. This variant has not been reported in the literature in individuals affected with CACNA1F-related conditions. ClinVar contains an entry for this variant (Variation ID: 390619). Invitae Evidence Modeling of protein sequence and biophysical properties (such as structural, functional, and spatial information, amino acid conservation, physicochemical variation, residue mobility, and thermodynamic stability) indicates that this missense variant is not expected to disrupt CACNA1F protein function with a negative predictive value of 80%. In summary, the available evidence is currently insufficient to determine the role of this variant in disease. Therefore, it has been classified as a Variant of Uncertain Significance.

GeneDx
Classification: Uncertain significance. Last evaluated: 2016-11-07. Review status: criteria provided, single submitter. Criteria: GeneDx Variant Classification (06012015). Collection method: clinical testing. Allele origin: germline. Affected: yes.
Comment: The R900H variant in the CACNA1F gene has not been reported previously as a pathogenic variant, nor as a benign variant, to our knowledge. The R900H variant was not observed with any significant frequency in approximately 6500 individuals of European and African American ancestry in the NHLBI Exome Sequencing Project, indicating it is not a common benign variant in these populations. The R900H variant is a conservative amino acid substitution, which is not likely to impact secondary protein structure as these residues share similar properties. However, this substitution occurs at a position that is conserved across species, and in silico analysis predicts this variant is probably damaging to the protein structure/function. We interpret R900H as a variant of uncertain significance.